The following is an entry in ClinVar:

NM_000020.3(ACVRL1):c.337C>T (p.Pro113Ser)

Gene: ACVRL1 (activin A receptor like type 1; plus strand). Cytogenetic location: 12q13.13.
Variant type: single nucleotide variant.
Coding change: c.337C>T on transcript NM_000020.3 (MANE Select); coding-DNA position 337, C replaced by T.
Protein change: p.Pro113Ser; replaces proline 113 with serine.
Molecular consequence: missense variant. On other transcripts: intron variant (6).
Genome position (GRCh38, 1-based): chr12:51,913,582, C>T. VCF-style: chr12-51913582-C-T. GRCh37 (hg19) VCF-style: chr12-52307366-C-T.
Other names: c.337C>T, p.Pro113Ser (NM_001077401.2, NM_001406487.1, NM_001406488.1 and 1 more transcripts); c.313+232C>T (NM_001406491.1, NM_001406490.1, NM_001406492.1 and 2 more transcripts); c.62-857C>T (NM_001406495.1); short protein forms P113S.
Identifiers: ClinVar variation 4795343 (VCV004795343.1).

ClinVar aggregate classification (germline): Uncertain significance (1 of 4 stars; one submission).

Submission:

GeneDx
Classification: Uncertain significance. Last evaluated: 2025-08-15. Review status: criteria provided, single submitter. Criteria: GeneDx Variant Classification Process June 2021. Collection method: clinical testing. Allele origin: germline. Affected: yes.
Comment: Not observed at significant frequency in large population cohorts (gnomAD); In silico analysis suggests that this missense variant does not alter protein structure/function; Has not been previously published as pathogenic or benign to our knowledge